The following is an entry in ClinVar:

ClinVar aggregate classification (germline): Uncertain significance (1 of 4 stars; one submission).

Conditions:
Hereditary cancer-predisposing syndrome. Also called: Tumor predisposition; Hereditary neoplastic syndrome; Hereditary Cancer Syndrome; Neoplastic Syndromes, Hereditary. Identifiers: Orphanet 140162, MedGen C0027672, MeSH D009386, MONDO:0015356.

Submission:

Ambry Genetics
Classification: Uncertain significance for Hereditary cancer-predisposing syndrome. Last evaluated: 2025-05-01. Review status: criteria provided, single submitter. Criteria: Ambry Variant Classification Scheme 2023. Collection method: clinical testing. Allele origin: germline.
Comment: The p.H1083N variant (also known as c.3247C>A), located in coding exon 21 of the ATM gene, results from a C to A substitution at nucleotide position 3247. The histidine at codon 1083 is replaced by asparagine, an amino acid with similar properties. This amino acid position is highly conserved in available vertebrate species. In addition, the in silico prediction for this alteration is inconclusive. Based on the available evidence, the clinical significance of this variant remains unclear.

NM_000051.4(ATM):c.3247C>A (p.His1083Asn)

Gene: ATM (ATM serine/threonine kinase; plus strand). Cytogenetic location: 11q22.3.
Variant type: single nucleotide variant.
Coding change: c.3247C>A on transcript NM_000051.4 (MANE Select); coding-DNA position 3247, C replaced by A.
Protein change: p.His1083Asn; replaces histidine 1083 with asparagine.
Molecular consequence: missense variant.
Genome position (GRCh38, 1-based): chr11:108,272,815, C>A. VCF-style: chr11-108272815-C-A. GRCh37 (hg19) VCF-style: chr11-108143542-C-A.
Other names: c.3247C>A, p.His1083Asn (NM_001351834.2); short protein forms H1083N.
Identifiers: ClinVar variation 3966253 (VCV003966253.1).